The following is an entry in ClinVar:

ClinVar aggregate classification (germline): Uncertain significance (1 of 4 stars; one submission).

Conditions:
Early-infantile DEE. Also called: Early infantile epileptic encephalopathy; Ohtahara syndrome; Early infantile epileptic encephalopathy with suppression bursts. Identifiers: Orphanet 1934, MedGen C0393706, MONDO:0800491.

Submission:

Labcorp Genetics (formerly Invitae), Labcorp
Classification: Uncertain significance for Early-infantile DEE. Last evaluated: 2022-11-08. Review status: criteria provided, single submitter. Criteria: Invitae Variant Classification Sherloc (09022015). Collection method: clinical testing. Allele origin: germline.
Comment: In summary, the available evidence is currently insufficient to determine the role of this variant in disease. Therefore, it has been classified as a Variant of Uncertain Significance. This sequence change replaces asparagine, which is neutral and polar, with histidine, which is basic and polar, at codon 86 of the SCN1A protein (p.Asn86His). This variant is not present in population databases (gnomAD no frequency). This variant has not been reported in the literature in individuals affected with SCN1A-related conditions. Advanced modeling of protein sequence and biophysical properties (such as structural, functional, and spatial information, amino acid conservation, physicochemical variation, residue mobility, and thermodynamic stability) performed at Invitae indicates that this missense variant is expected to disrupt SCN1A protein function.

NM_001165963.4(SCN1A):c.256A>C (p.Asn86His)

Gene: SCN1A (sodium voltage-gated channel alpha subunit 1; minus strand). Cytogenetic location: 2q24.3.
Variant type: single nucleotide variant.
Coding change: c.256A>C on transcript NM_001165963.4 (MANE Select); coding-DNA position 256, A replaced by C.
Protein change: p.Asn86His; replaces asparagine 86 with histidine.
Molecular consequence: missense variant. On other transcripts: 5 prime UTR variant (1), non-coding transcript variant (1).
Genome position (GRCh38, 1-based): chr2:166,073,366, T>G on the plus strand (A>C on the coding strand, the complement: SCN1A is on the minus strand). VCF-style: chr2-166073366-T-G. GRCh37 (hg19) VCF-style: chr2-166929876-T-G.
Other names: c.256A>C, p.Asn86His (NM_001165964.3, NM_001202435.3, NM_001353948.2 and 10 more transcripts); c.-2170A>C (NM_001353961.2); short protein forms N86H.
Identifiers: ClinVar variation 2050782 (VCV002050782.4), dbSNP rs2468363533, ClinGen allele CA349242637.